The following is an entry in ClinVar:

NM_001709.5(BDNF):c.-21-15571A>G

Genes: BDNF (brain derived neurotrophic factor; minus strand), BDNF-AS (BDNF antisense RNA; plus strand). Cytogenetic location: 11p14.1.
Variant type: single nucleotide variant.
Coding change: c.-21-15571A>G on transcript NM_001709.5 (MANE Select); 15571 bases into the intron before 21 bases upstream of the start codon, A replaced by G.
Molecular consequence: intron variant. On other transcripts: synonymous variant (1), 5 prime UTR variant (1).
Genome position (GRCh38, 1-based): chr11:27,674,156, T>C on the plus strand (A>G on the coding strand, the complement: BDNF is on the minus strand). VCF-style: chr11-27674156-T-C. GRCh37 (hg19) VCF-style: chr11-27695703-T-C.
Other names: c.129A>G, p.Val43= (NM_001143810.2); c.-235A>G (NM_001143811.2); c.4-15571A>G (NM_170731.5); c.-21-15571A>G (NM_001143805.1, NM_001143806.1, NM_170732.4 and 5 more transcripts); c.67-15571A>G (NM_001143809.2); c.-128-15230A>G (NM_001143814.2); c.25-15571A>G (NM_170734.4).
Identifiers: ClinVar variation 3048025 (VCV003048025.2), dbSNP rs1341834020, ClinGen allele CA473781703.

ClinVar aggregate classification (germline): Likely benign (0 of 4 stars; one submission).

Conditions:
BDNF-related disorder. Also called: BDNF-related condition.

Allele frequency attached by ClinVar (database versions not stated): TOPMed 0.00002.
gnomAD v4.1: 7 of 1,611,290 alleles (0.00043%); highest among the groups gnomAD compares: East Asian, 0.0067%; no homozygotes.

Submission:

PreventionGenetics, part of Exact Sciences
Classification: Likely benign for BDNF-related condition. Last evaluated: 2019-12-18. Review status: no assertion criteria provided. Collection method: clinical testing. Allele origin: germline.
Comment: This variant is classified as likely benign based on ACMG/AMP sequence variant interpretation guidelines (Richards et al. 2015 PMID: 25741868, with internal and published modifications).